The following is an entry in ClinVar:

NM_003660.4(PPFIA3):c.248C>A (p.Ala83Glu)

Gene: PPFIA3 (PPFI scaffold protein A3; plus strand). Cytogenetic location: 19q13.33.
Variant type: single nucleotide variant.
Coding change: c.248C>A on transcript NM_003660.4 (MANE Select); coding-DNA position 248, C replaced by A.
Protein change: p.Ala83Glu; replaces alanine 83 with glutamic acid.
Molecular consequence: missense variant. On other transcripts: non-coding transcript variant (1).
Genome position (GRCh38, 1-based): chr19:49,128,374, C>A. VCF-style: chr19-49128374-C-A. GRCh37 (hg19) VCF-style: chr19-49631631-C-A.
Other names: short protein forms A83E.
Identifiers: ClinVar variation 4532622 (VCV004532622.1).
Genomic context (GRCh38, chr19:49,128,374, plus strand): 5'-GAGACAGGGAAAGGATTGAGCCGAATGTCCAGATCCTGCCAATGTCTGGACAGGAGTTTG[C>A]AGCTCTGACGAAGGAGCTGAACTTATGTCGGGAGCAGCTGCTGGAGAGGGAGGAAGAGAT-3'
Protein context (NP_003651.1, residues 73-93): QLSIALPQEF[Ala83Glu]ALTKELNLCR

ClinVar aggregate classification (germline): Uncertain significance (1 of 4 stars; one submission).

Submission:

GeneDx
Classification: Uncertain significance. Last evaluated: 2025-05-27. Review status: criteria provided, single submitter. Criteria: GeneDx Variant Classification Process June 2021. Collection method: clinical testing. Allele origin: germline. Affected: yes.
Comment: Not observed at significant frequency in large population cohorts (gnomAD); In silico analysis supports that this missense variant has a deleterious effect on protein structure/function; Has not been previously published as pathogenic or benign to our knowledge